The following is an entry in ClinVar:

ClinVar aggregate classification (germline): Likely benign (1 of 4 stars; one submission).

Allele frequency attached by ClinVar (database versions not stated): 1000 Genomes Project 30x 0.00953; gnomAD 0.00958 and 0.01014; 1000 Genomes Project 0.00978; TOPMed 0.01064.
gnomAD v4.1: 1,454 of 152,336 alleles (0.95%); highest among the groups gnomAD compares: African/African-American, 3.2%; 28 homozygotes.

Submission:

GeneDx
Classification: Likely benign. Last evaluated: 2018-06-16. Review status: criteria provided, single submitter. Criteria: GeneDx Variant Classification (06012015). Collection method: clinical testing. Allele origin: germline. Affected: yes.
Comment: This variant is considered likely benign or benign based on one or more of the following criteria: it is a conservative change, it occurs at a poorly conserved position in the protein, it is predicted to be benign by multiple in silico algorithms, and/or has population frequency not consistent with disease.

NM_001077365.2(POMT1):c.1825+237T>C

Gene: POMT1 (protein O-mannosyltransferase 1; plus strand). Cytogenetic location: 9q34.13.
Variant type: single nucleotide variant.
Coding change: c.1825+237T>C on transcript NM_001077365.2 (MANE Select); 237 bases into the intron after coding-DNA position 1825, T replaced by C.
Molecular consequence: intron variant.
Genome position (GRCh38, 1-based): chr9:131,521,709, T>C. VCF-style: chr9-131521709-T-C. GRCh37 (hg19) VCF-style: chr9-134397096-T-C.
Other names: c.1729+237T>C (NM_001353198.2, NM_001353197.2); c.1891+237T>C (NM_001353193.2, NM_007171.4); c.1825+237T>C (NM_001136113.2); c.1663+237T>C (NM_001353194.2, NM_001077366.2); c.1474+237T>C (NM_001374691.1, NM_001353195.2, NM_001374692.1 and 2 more transcripts); c.1606+237T>C (NM_001374690.1); c.1735+237T>C (NM_001353196.2); c.1435+237T>C (NM_001374695.1); and 3 more.
Identifiers: ClinVar variation 678922 (VCV000678922.1), dbSNP rs113453750, ClinGen allele CA200797099.